The following is an entry in ClinVar:

NM_001953.5(TYMP):c.1357dup (p.Arg453fs)

Genes: SCO2 (synthesis of cytochrome C oxidase 2; minus strand), TYMP (thymidine phosphorylase; minus strand), LOC130067862 (ATAC-STARR-seq lymphoblastoid silent region 13986; plus strand). Cytogenetic location: 22q13.33.
Variant type: Duplication.
Coding change: c.1357dup on transcript NM_001953.5 (MANE Select); coding-DNA position 1357, one base duplicated (C; older notation c.1357dupC).
Protein change: p.Arg453fs; shifts the reading frame from arginine 453.
Molecular consequence: frameshift variant. On other transcripts: intron variant (2).
Genome position (GRCh38, 1-based): chr22:50,525,862, G duplicated on the plus strand (C on the coding strand, the reverse complement: TYMP is on the minus strand); the first of 2 consecutive G bases (chr22:50,525,862-50,525,863); duplicating either gives the same sequence. VCF-style (leftmost placement, unchanged base first): chr22-50525861-C-CG. GRCh37 (hg19) VCF-style: chr22-50964290-C-CG.
Other names: c.1357dup, p.Arg453fs (NM_001113755.3, NM_001113756.3, NM_001257988.1); c.1372dup, p.Arg458fs (NM_001257989.1); c.-14+384dup (NM_001169109.2); c.-14+139dup (NM_001169110.1); short protein forms R453fs, R458fs.
Identifiers: ClinVar variation 2125309 (VCV002125309.4), dbSNP rs2522501407, ClinGen allele CA2580099933.

ClinVar aggregate classification (germline): Pathogenic (1 of 4 stars; one submission).

Submission:

Labcorp Genetics (formerly Invitae), Labcorp
Classification: Pathogenic. Last evaluated: 2022-04-12. Review status: criteria provided, single submitter. Criteria: Invitae Variant Classification Sherloc (09022015). Collection method: clinical testing. Allele origin: germline.
Comment: This sequence change results in a frameshift in the TYMP gene (p.Arg453Profs*?). While this is not anticipated to result in nonsense mediated decay, it is expected to disrupt the last 30 amino acid(s) of the TYMP protein and extend the protein by an uncertain number of additional amino acid residues. This variant is not present in population databases (gnomAD no frequency). This variant has not been reported in the literature in individuals affected with TYMP-related conditions. This variant disrupts a region of the TYMP protein in which other variant(s) (p.S471* ) have been determined to be pathogenic (PMID: 17437622). This suggests that this is a clinically significant region of the protein, and that variants that disrupt it are likely to be disease-causing. For these reasons, this variant has been classified as Pathogenic.

Literature cited by the submitters: PubMed 17437622.